The following is an entry in ClinVar:

NM_000138.5(FBN1):c.6751del (p.Cys2251fs)

Gene: FBN1 (fibrillin 1; minus strand). Cytogenetic location: 15q21.1.
Variant type: Deletion.
Coding change: c.6751del on transcript NM_000138.5 (MANE Select); coding-DNA position 6751, one base deleted (T; older notation c.6751delT).
Protein change: p.Cys2251fs; shifts the reading frame from cysteine 2251.
Molecular consequence: frameshift variant.
Genome position (GRCh38, 1-based): chr15:48,430,791, A deleted on the plus strand (T on the coding strand, the reverse complement: FBN1 is on the minus strand). VCF-style (leftmost placement, unchanged base first): chr15-48430790-CA-C. GRCh37 (hg19) VCF-style: chr15-48722987-CA-C.
Other names: c.6751delT (NM_000138.4); short protein forms C2251fs.
Identifiers: ClinVar variation 638264 (VCV000638264.4), dbSNP rs1597520781, ClinGen allele CA915946641.

ClinVar aggregate classification (germline): Pathogenic (1 of 4 stars; one submission).

Conditions:
Marfan syndrome (MFS). Also called: FBN1-Related Marfan Syndrome; Marfan syndrome type 1; Marfan's syndrome; Marfan syndrome, classic; MARFAN SYNDROME, TYPE I. Identifiers: Orphanet 284963, Orphanet 558, MedGen C0024796, MONDO:0007947, OMIM 154700.

Submission:

Petrovsky National Research Centre of Surgery, The Federal Agency for Scientific Organizations
Classification: Pathogenic for Marfan syndrome. Last evaluated: 2016-10-10. Review status: criteria provided, single submitter. Criteria: ACMG Guidelines, 2015. Collection method: clinical testing. Allele origin: inherited. Inheritance: Autosomal dominant inheritance. Affected: yes. Observed: 1 heterozygote.
Comment: The c.6751delT (p.C2251fs) variant is absent from large population studies. Null variants (deletion, frameshift, etc) are classified as LoF to which FBN1 gene is known to be intorerant (ExAC LoF pLI = 1.00). Computational results of NetGene2, Provean, MutationTaster show deleterious effect.